The following is an entry in ClinVar:

ClinVar aggregate classification (germline): Uncertain significance (1 of 4 stars; one submission).

Allele frequency attached by ClinVar (database versions not stated): gnomAD exomes below 0.00001; gnomAD 0.00001; TOPMed 0.00002.
gnomAD v4.1: 3 of 1,613,158 alleles (0.00019%); highest among the groups gnomAD compares: Admixed American, 0.0033%; no homozygotes.

Submission:

Labcorp Genetics (formerly Invitae), Labcorp
Classification: Uncertain significance. Last evaluated: 2022-08-22. Review status: criteria provided, single submitter. Criteria: Invitae Variant Classification Sherloc (09022015). Collection method: clinical testing. Allele origin: germline.
Comment: This sequence change replaces leucine, which is neutral and non-polar, with valine, which is neutral and non-polar, at codon 704 of the CCDC88A protein (p.Leu704Val). This variant is not present in population databases (gnomAD no frequency). This variant has not been reported in the literature in individuals affected with CCDC88A-related conditions. Algorithms developed to predict the effect of missense changes on protein structure and function are either unavailable or do not agree on the potential impact of this missense change (SIFT: "Deleterious"; PolyPhen-2: "Probably Damaging"; Align-GVGD: "Class C0"). In summary, the available evidence is currently insufficient to determine the role of this variant in disease. Therefore, it has been classified as a Variant of Uncertain Significance.

NM_001365480.1(CCDC88A):c.2110T>G (p.Leu704Val)

Gene: CCDC88A (coiled-coil domain containing 88A; minus strand). Cytogenetic location: 2p16.1.
Variant type: single nucleotide variant.
Coding change: c.2110T>G on transcript NM_001365480.1 (MANE Select); coding-DNA position 2110, T replaced by G.
Protein change: p.Leu704Val; replaces leucine 704 with valine.
Molecular consequence: missense variant.
Genome position (GRCh38, 1-based): chr2:55,334,711, A>C on the plus strand (T>G on the coding strand, the complement: CCDC88A is on the minus strand). VCF-style: chr2-55334711-A-C. GRCh37 (hg19) VCF-style: chr2-55561847-A-C.
Other names: c.2110T>G, p.Leu704Val (NM_001135597.2, NM_001254943.2, NM_018084.5); short protein forms L704V.
Identifiers: ClinVar variation 2116200 (VCV002116200.1), dbSNP rs1430355664, ClinGen allele CA346900806.